The following is an entry in ClinVar:

ClinVar aggregate classification (germline): Likely benign. Review status: criteria provided, single submitter (1 of 4 stars). 2 submissions from 2 submitters: Likely benign (1). 1 of the submissions does not count toward it. Last evaluated 2025-08-19.

Conditions:
ABCB6-related disorder. Also called: ABCB6-related condition.

Allele frequency attached by ClinVar (database versions not stated): gnomAD exomes 0.00003 and 0.00008; ExAC 0.00007; ESP Exome Variant Server 0.00008; TOPMed 0.00013; gnomAD 0.00015 and 0.00017.

Submissions (2):

Labcorp Genetics (formerly Invitae), Labcorp
Classification: Likely benign. Last evaluated: 2025-08-19. Review status: criteria provided, single submitter. Criteria: Invitae Variant Classification Sherloc (09022015). Collection method: clinical testing. Allele origin: germline.

PreventionGenetics, part of Exact Sciences
Classification: Likely benign for ABCB6-related condition. Last evaluated: 2022-05-10. Review status: no assertion criteria provided. Collection method: clinical testing. Allele origin: germline. Not counted in ClinVar's aggregate classification.
Comment: This variant is classified as likely benign based on ACMG/AMP sequence variant interpretation guidelines (Richards et al. 2015 PMID: 25741868, with internal and published modifications).

NM_005689.4(ABCB6):c.2373T>C (p.Ala791=)

Gene: ABCB6 (ATP binding cassette subfamily B member 6 (LAN blood group); minus strand). Cytogenetic location: 2q35.
Variant type: single nucleotide variant.
Coding change: c.2373T>C on transcript NM_005689.4 (MANE Select); coding-DNA position 2373, T replaced by C.
Protein change: p.Ala791=; no amino-acid change (alanine 791 retained).
Molecular consequence: synonymous variant.
Genome position (GRCh38, 1-based): chr2:219,210,277, A>G on the plus strand (T>C on the coding strand, the complement: ABCB6 is on the minus strand). VCF-style: chr2-219210277-A-G. GRCh37 (hg19) VCF-style: chr2-220074999-A-G.
Other names: c.2235T>C, p.Ala745= (NM_001349828.2); c.2373T>C (NM_005689.2).
Identifiers: ClinVar variation 1554361 (VCV001554361.10), dbSNP rs113242206, ClinGen allele CA2118925.